The following is an entry in ClinVar:

NM_000155.4(GALT):c.745T>C (p.Trp249Arg)

Gene: GALT (galactose-1-phosphate uridylyltransferase; plus strand). Cytogenetic location: 9p13.3.
Variant type: single nucleotide variant.
Coding change: c.745T>C on transcript NM_000155.4 (MANE Select); coding-DNA position 745, T replaced by C.
Protein change: p.Trp249Arg; replaces tryptophan 249 with arginine.
Molecular consequence: missense variant.
Genome position (GRCh38, 1-based): chr9:34,648,819, T>C. VCF-style: chr9-34648819-T-C. GRCh37 (hg19) VCF-style: chr9-34648816-T-C.
Other names: c.418T>C, p.Trp140Arg (NM_001258332.2); short protein forms W140R.
Identifiers: ClinVar variation 1438582 (VCV001438582.3), dbSNP rs111033757, ClinGen allele CA259484.

ClinVar aggregate classification (germline): Uncertain significance (1 of 4 stars; one submission).

Conditions:
Deficiency of UDPglucose-hexose-1-phosphate uridylyltransferase. Also called: Transferase Deficiency Galactosemia; GALACTOSE-1-PHOSPHATE URIDYLYLTRANSFERASE DEFICIENCY; GALACTOSEMIA I; GALT deficiency; Galactosemia, classic. Identifiers: Orphanet 352, Orphanet 79239, MedGen C0268151, MONDO:0009258, OMIM 230400.

Allele frequency attached by ClinVar (database versions not stated): gnomAD exomes below 0.00001.

Submission:

Labcorp Genetics (formerly Invitae), Labcorp
Classification: Uncertain significance for Deficiency of UDPglucose-hexose-1-phosphate uridylyltransferase. Last evaluated: 2021-08-14. Review status: criteria provided, single submitter. Criteria: Invitae Variant Classification Sherloc (09022015). Collection method: clinical testing. Allele origin: germline.
Comment: This sequence change replaces tryptophan with arginine at codon 249 of the GALT protein (p.Trp249Arg). The tryptophan residue is highly conserved and there is a moderate physicochemical difference between tryptophan and arginine. This variant is not present in population databases (ExAC no frequency). This variant has been observed in individual(s) with clinical features of galactosemia (PMID: 10573007). ClinVar contains an entry for this variant (Variation ID: 25251). Advanced modeling of protein sequence and biophysical properties (such as structural, functional, and spatial information, amino acid conservation, physicochemical variation, residue mobility, and thermodynamic stability) performed at Invitae indicates that this missense variant is expected to disrupt GALT protein function. Experimental studies have shown that this variant affects GALT protein function (PMID: 10573007). In summary, the available evidence is currently insufficient to determine the role of this variant in disease. Therefore, it has been classified as a Variant of Uncertain Significance.

Literature cited by the submitters: PubMed 10573007.